The following is an entry in ClinVar:

NM_001042492.3(NF1):c.2511G>A (p.Trp837Ter)

Gene: NF1 (neurofibromin 1; plus strand). Cytogenetic location: 17q11.2.
Variant type: single nucleotide variant.
Coding change: c.2511G>A on transcript NM_001042492.3 (MANE Select); coding-DNA position 2511, G replaced by A.
Protein change: p.Trp837Ter; replaces tryptophan 837 with a stop codon.
Molecular consequence: nonsense.
Genome position (GRCh38, 1-based): chr17:31,229,126, G>A. VCF-style: chr17-31229126-G-A. GRCh37 (hg19) VCF-style: chr17-29556144-G-A.
Other names: c.2511G>A, p.Trp837Ter (NM_000267.4); short protein forms W837*.
Identifiers: ClinVar variation 492879 (VCV000492879.11), dbSNP rs1555614211, ClinGen allele CA398984135.

ClinVar aggregate classification (germline): Pathogenic. Review status: criteria provided, multiple submitters, no conflicts (2 of 4 stars). 4 submissions from 4 submitters: Pathogenic (3). 1 of the submissions does not count toward it. Last evaluated 2025-05-01.

Conditions:
Neurofibromatosis, type 1 (NF1). Also called: Neurofibromatosis, type I; NEUROFIBROMATOSIS, TYPE I, SOMATIC; Peripheral type neurofibromatosis; VON RECKLINGHAUSEN DISEASE. Identifiers: Orphanet 636, MedGen C0027831, MONDO:0018975, OMIM 162200. Disease mechanism: loss of function.

Submissions (4):

Labcorp Genetics (formerly Invitae), Labcorp
Classification: Pathogenic for Neurofibromatosis, type 1. Last evaluated: 2025-05-01. Review status: criteria provided, single submitter. Criteria: Invitae Variant Classification Sherloc (09022015). Collection method: clinical testing. Allele origin: germline.
Comment: This sequence change creates a premature translational stop signal (p.Trp837*) in the NF1 gene. It is expected to result in an absent or disrupted protein product. Loss-of-function variants in NF1 are known to be pathogenic (PMID: 10712197, 23913538). This variant is not present in population databases (gnomAD no frequency). This premature translational stop signal has been observed in individual(s) with neurofibromatosis type 1 (PMID: 16944272). ClinVar contains an entry for this variant (Variation ID: 492879). For these reasons, this variant has been classified as Pathogenic.

GeneDx
Classification: Pathogenic. Last evaluated: 2023-05-10. Review status: criteria provided, single submitter. Criteria: GeneDx Variant Classification Process June 2021. Collection method: clinical testing. Allele origin: germline. Affected: yes.
Comment: Nonsense variant predicted to result in protein truncation or nonsense mediated decay in a gene for which loss of function is a known mechanism of disease; Observed in individuals reported to have Neurofibromatosis type 1 in published literature (Shao et al., 2021; Ognibene et al., 2023); Not observed at significant frequency in large population cohorts (gnomAD); This variant is associated with the following publications: (PMID: 10712197, 23913538, 16944272, 34839510, 27390349, 36980803)

Women's Health and Genetics/Laboratory Corporation of America, LabCorp
Classification: Pathogenic for Neurofibromatosis, type 1. Last evaluated: 2022-07-25. Review status: criteria provided, single submitter. Criteria: LabCorp Variant Classification Summary - May 2015. Collection method: clinical testing. Allele origin: germline.
Comment: Variant summary: NF1 c.2511G>A (p.Trp837X) results in a premature termination codon, predicted to cause a truncation of the encoded protein or absence of the protein due to nonsense mediated decay, which are commonly known mechanisms for disease. Truncations downstream of this position have been classified as pathogenic by our laboratory. The variant was absent in 250430 control chromosomes (genomAD). p.Trp837X has been reported in the literature in at least one individual affected with Neurofibromatosis Type 1 (Griffiths_2006). These data indicate that the variant is likely to be associated with disease. To our knowledge, no experimental evidence demonstrating an impact on protein function has been reported. Two ClinVar submitters (evaluation after 2014) cite the variant as pathogenic. Based on the evidence outlined above, the variant was classified as pathogenic.

Clinical Molecular Genetics Laboratory, Johns Hopkins All Children's Hospital
Classification: Pathogenic for Neurofibromatosis, type 1. Last evaluated: 2015-12-30. Review status: no assertion criteria provided. Collection method: clinical testing. Allele origin: germline. Affected: yes. Not counted in ClinVar's aggregate classification.

Literature cited by the submitters: PubMed 10712197 (cited by Labcorp Genetics (formerly Invitae), Labcorp); PubMed 23913538 (cited by Labcorp Genetics (formerly Invitae), Labcorp); PubMed 16944272 (cited by Labcorp Genetics (formerly Invitae), Labcorp and Women's Health and Genetics/Laboratory Corporation of America, LabCorp).